The following is an entry in ClinVar:

ClinVar aggregate classification (germline): Uncertain significance. Review status: criteria provided, multiple submitters, no conflicts (2 of 4 stars). 3 submissions from 3 submitters: Uncertain significance (3). Last evaluated 2025-06-18.

Allele frequency attached by ClinVar (database versions not stated): ExAC 0.00002; gnomAD exomes 0.00002; ESP Exome Variant Server 0.00008; TOPMed 0.00010.
gnomAD v4.1: 28 of 1,612,862 alleles (0.0017%); highest among the groups gnomAD compares: African/African-American, 0.032%; no homozygotes.

Submissions (3):

Ambry Genetics
Classification: Uncertain significance. Last evaluated: 2025-06-18. Review status: criteria provided, single submitter. Criteria: Ambry Variant Classification Scheme 2023. Collection method: clinical testing. Allele origin: germline.

Labcorp Genetics (formerly Invitae), Labcorp
Classification: Uncertain significance. Last evaluated: 2025-02-22. Review status: criteria provided, single submitter. Criteria: Invitae Variant Classification Sherloc (09022015). Collection method: clinical testing. Allele origin: germline.
Comment: This sequence change replaces isoleucine, which is neutral and non-polar, with leucine, which is neutral and non-polar, at codon 60 of the IMPG1 protein (p.Ile60Leu). This variant is present in population databases (rs143380722, gnomAD 0.02%). This variant has not been reported in the literature in individuals affected with IMPG1-related conditions. ClinVar contains an entry for this variant (Variation ID: 839489). An algorithm developed to predict the effect of missense changes on protein structure and function (PolyPhen-2) suggests that this variant is likely to be tolerated. In summary, the available evidence is currently insufficient to determine the role of this variant in disease. Therefore, it has been classified as a Variant of Uncertain Significance.

Blueprint Genetics
Classification: Uncertain significance. Last evaluated: 2019-04-16. Review status: criteria provided, single submitter. Criteria: ACMG Guidelines, 2015. Collection method: clinical testing. Allele origin: germline.

NM_001563.4(IMPG1):c.178A>T (p.Ile60Leu)

Gene: IMPG1 (interphotoreceptor matrix proteoglycan 1; minus strand). Cytogenetic location: 6q14.1.
Variant type: single nucleotide variant.
Coding change: c.178A>T on transcript NM_001563.4 (MANE Select); coding-DNA position 178, A replaced by T.
Protein change: p.Ile60Leu; replaces isoleucine 60 with leucine.
Molecular consequence: missense variant. On other transcripts: intron variant (1).
Genome position (GRCh38, 1-based): chr6:76,042,016, T>A on the plus strand (A>T on the coding strand, the complement: IMPG1 is on the minus strand). VCF-style: chr6-76042016-T-A. GRCh37 (hg19) VCF-style: chr6-76751733-T-A.
Other names: c.68-7229A>T (NM_001282368.2); c.178A>T (NM_001563.2); short protein forms I60L.
Identifiers: ClinVar variation 839489 (VCV000839489.9), dbSNP rs143380722, ClinGen allele CA3898624.